The following is an entry in ClinVar:

NM_002340.6(LSS):c.1609G>A (p.Val537Met)

Gene: LSS (lanosterol synthase; minus strand). Cytogenetic location: 21q22.3.
Variant type: single nucleotide variant.
Coding change: c.1609G>A on transcript NM_002340.6 (MANE Select); coding-DNA position 1609, G replaced by A.
Protein change: p.Val537Met; replaces valine 537 with methionine.
Molecular consequence: missense variant.
Genome position (GRCh38, 1-based): chr21:46,205,897, C>T on the plus strand (G>A on the coding strand, the complement: LSS is on the minus strand). VCF-style: chr21-46205897-C-T. GRCh37 (hg19) VCF-style: chr21-47625811-C-T.
Other names: c.1369G>A (NM_001145437.1); c.1609G>A, p.Val537Met (NM_001001438.3); c.1576G>A, p.Val526Met (NM_001145436.2); c.1369G>A, p.Val457Met (NM_001145437.2); short protein forms V457M, V526M, V537M.
Identifiers: ClinVar variation 3121357 (VCV003121357.3), dbSNP rs769378489, ClinGen allele CA10074934.

ClinVar aggregate classification (germline): Uncertain significance. Review status: criteria provided, multiple submitters, no conflicts (2 of 4 stars). 2 submissions from 2 submitters: Uncertain significance (2). Last evaluated 2026-08-27.

Conditions:
Inborn genetic diseases. Identifiers: MedGen C0950123, MeSH D030342.

Allele frequency attached by ClinVar (database versions not stated): TOPMed 0.00005; gnomAD 0.00007; ExAC 0.00004.
gnomAD v4.1: 225 of 1,611,494 alleles (0.014%); highest among the groups gnomAD compares: Non-Finnish European, 0.018%; no homozygotes.

Submissions (2):

GeneDx
Classification: Uncertain significance. Last evaluated: 2026-08-27. Review status: criteria provided, single submitter. Criteria: GeneDx Variant Classification Process June 2021. Collection method: clinical testing. Allele origin: germline.
Comment: Identified as c. 1609G>A (p.V537M) in a patient with hypotrichosis and a second LSS variant (PMID: 38448028); In silico analysis indicates that this missense variant does not alter protein structure/function; This variant is associated with the following publications: (PMID: 38448028)

Ambry Genetics
Classification: Uncertain significance for Inborn genetic diseases. Last evaluated: 2024-01-12. Review status: criteria provided, single submitter. Criteria: Ambry Variant Classification Scheme 2023. Collection method: clinical testing. Allele origin: germline.
Comment: The c.1609G>A (p.V537M) alteration is located in exon 17 (coding exon 17) of the LSS gene. This alteration results from a G to A substitution at nucleotide position 1609, causing the valine (V) at amino acid position 537 to be replaced by a methionine (M). Based on data from gnomAD, the A allele has an overall frequency of 0.004% (11/277412) total alleles studied. The highest observed frequency was 0.007% (9/126918) of European (non-Finnish) alleles. Another alteration at the same codon, c.1609G>T (p.V537L), has been detected in affected individuals in a family with clinical features consistent with Lanosterol synthase deficiency (Elaraby, 2022). This amino acid position is highly conserved in available vertebrate species. The in silico prediction for this alteration is inconclusive. Based on insufficient or conflicting evidence, the clinical significance of this alteration remains unclear.

Literature cited by the submitters: PubMed 36251212 (cited by Ambry Genetics).